The following is an entry in ClinVar:

NM_201384.3(PLEC):c.12830C>T (p.Thr4277Met)

Gene: PLEC (plectin; minus strand). Cytogenetic location: 8q24.3.
Variant type: single nucleotide variant.
Coding change: c.12830C>T on transcript NM_201384.3 (MANE Select); coding-DNA position 12830, C replaced by T.
Protein change: p.Thr4277Met; replaces threonine 4277 with methionine.
Molecular consequence: missense variant.
Genome position (GRCh38, 1-based): chr8:143,916,991, G>A on the plus strand (C>T on the coding strand, the complement: PLEC is on the minus strand). VCF-style: chr8-143916991-G-A. GRCh37 (hg19) VCF-style: chr8-144991159-G-A.
Other names: c.12911C>T, p.Thr4304Met (NM_000445.5); c.12788C>T, p.Thr4263Met (NM_201378.4); c.12764C>T, p.Thr4255Met (NM_201379.3); c.13241C>T, p.Thr4414Met (NM_201380.4); c.12734C>T, p.Thr4245Met (NM_201381.3); c.12830C>T, p.Thr4277Met (NM_201382.4); c.12842C>T, p.Thr4281Met (NM_201383.3); short protein forms T4277M, T4263M, T4414M, T4304M, T4245M, T4255M, T4281M.
Identifiers: ClinVar variation 662214 (VCV000662214.11), dbSNP rs369593768, ClinGen allele CA4923971.

ClinVar aggregate classification (germline): Uncertain significance. Review status: criteria provided, multiple submitters, no conflicts (2 of 4 stars). 2 submissions from 2 submitters: Uncertain significance (2). Last evaluated 2025-10-01.

Conditions:
Epidermolysis bullosa simplex, Ogna type (EBS5A). Also called: Pidermolysis bullosa simplex 5A, Ogna type; EPIDERMOLYSIS BULLOSA SIMPLEX 5A, OGNA TYPE. Identifiers: Orphanet 79401, MedGen C0432317, MONDO:0007555, OMIM 131950.
Autosomal recessive limb-girdle muscular dystrophy type 2Q (LGMDR17). Also called: MUSCULAR DYSTROPHY, LIMB-GIRDLE, AUTOSOMAL RECESSIVE 17. Identifiers: Orphanet 254361, MedGen C3150989, MONDO:0013390, OMIM 613723.
Epidermolysis bullosa simplex with nail dystrophy (EBS5D). Identifiers: MedGen C4225309, MONDO:0014661, OMIM 616487.
Epidermolysis bullosa simplex 5B, with muscular dystrophy (EBS5B). Also called: Epidermolysis bullosa simplex with muscular dystrophy; EPIDERMOLYSIS BULLOSA SIMPLEX AND LIMB-GIRDLE MUSCULAR DYSTROPHY. Identifiers: Orphanet 257, MedGen C2931072, MONDO:0009181, OMIM 226670.
Epidermolysis bullosa simplex 5C, with pyloric atresia (EBS5C). Also called: PLEC-Related Epidermolysis Bullosa with Pyloric Atresia; PLEC1-Related Epidermolysis Bullosa with Pyloric Atresia; Epidermolysis bullosa simplex with pyloric atresia. Identifiers: Orphanet 158684, MedGen C2677349, MONDO:0012807, OMIM 612138.

Allele frequency attached by ClinVar (database versions not stated): gnomAD exomes 0.00004 and 0.00006; ExAC 0.00006; gnomAD 0.00007 and 0.00009; ESP Exome Variant Server 0.00008; TOPMed 0.00008.
gnomAD v4.1: 97 of 1,612,844 alleles (0.006%); highest among the groups gnomAD compares: Non-Finnish European, 0.0074%; no homozygotes.

Submissions (2):

Labcorp Genetics (formerly Invitae), Labcorp
Classification: Uncertain significance for Autosomal recessive limb-girdle muscular dystrophy type 2Q; Epidermolysis bullosa simplex, Ogna type; Epidermolysis bullosa simplex with nail dystrophy; Epidermolysis bullosa simplex 5C, with pyloric atresia; Epidermolysis bullosa simplex 5B, with muscular dystrophy. Last evaluated: 2025-10-01. Review status: criteria provided, single submitter. Criteria: Invitae Variant Classification Sherloc (09022015). Collection method: clinical testing. Allele origin: germline.
Comment: This sequence change replaces threonine, which is neutral and polar, with methionine, which is neutral and non-polar, at codon 4304 of the PLEC protein (p.Thr4304Met). This variant is present in population databases (rs369593768, gnomAD 0.008%). This variant has not been reported in the literature in individuals affected with PLEC-related conditions. ClinVar contains an entry for this variant (Variation ID: 662214). Invitae Evidence Modeling of protein sequence and biophysical properties (such as structural, functional, and spatial information, amino acid conservation, physicochemical variation, residue mobility, and thermodynamic stability) indicates that this missense variant is not expected to disrupt PLEC protein function with a negative predictive value of 80%. In summary, the available evidence is currently insufficient to determine the role of this variant in disease. Therefore, it has been classified as a Variant of Uncertain Significance.

Revvity Omics, Revvity
Classification: Uncertain significance. Last evaluated: 2019-02-22. Review status: criteria provided, single submitter. Criteria: ACMG Guidelines, 2015. Collection method: clinical testing. Allele origin: germline.